The following is an entry in ClinVar:

ClinVar aggregate classification (germline): Uncertain significance (1 of 4 stars; one submission).

Conditions:
Hereditary cancer-predisposing syndrome. Also called: Neoplastic Syndromes, Hereditary; Tumor predisposition; Hereditary Cancer Syndrome; Hereditary neoplastic syndrome. Identifiers: Orphanet 140162, MedGen C0027672, MeSH D009386, MONDO:0015356.

Submission:

Ambry Genetics
Classification: Uncertain significance for Hereditary cancer-predisposing syndrome. Last evaluated: 2024-10-21. Review status: criteria provided, single submitter. Criteria: Ambry Variant Classification Scheme 2023. Collection method: clinical testing. Allele origin: germline.
Comment: The p.L308V variant (also known as c.922T>G), located in coding exon 3 of the PHOX2B gene, results from a T to G substitution at nucleotide position 922. The leucine at codon 308 is replaced by valine, an amino acid with highly similar properties. This amino acid position is conserved. In addition, the in silico prediction for this alteration is inconclusive. Based on the available evidence, the clinical significance of this variant remains unclear.

NM_003924.4(PHOX2B):c.922T>G (p.Leu308Val)

Gene: PHOX2B (paired like homeobox 2B; minus strand). Cytogenetic location: 4p13.
Variant type: single nucleotide variant.
Coding change: c.922T>G on transcript NM_003924.4 (MANE Select); coding-DNA position 922, T replaced by G.
Protein change: p.Leu308Val; replaces leucine 308 with valine.
Molecular consequence: missense variant.
Genome position (GRCh38, 1-based): chr4:41,745,830, A>C on the plus strand (T>G on the coding strand, the complement: PHOX2B is on the minus strand). VCF-style: chr4-41745830-A-C. GRCh37 (hg19) VCF-style: chr4-41747847-A-C.
Other names: short protein forms L308V.
Identifiers: ClinVar variation 3417951 (VCV003417951.1).
Genomic context (GRCh38, chr4:41,745,830, plus strand): 5'-GCTGTCGCCGCCGCCGCCGCCGCCGCAGGATTCCAGATCAGAACATACTGCTCTTCACTA[A>C]GGCGGCTTTGGCACCGTTGGGTCTTTGGAGCGAAGATAGGACGCTGGCGAAGGGACCCCC-3'
Protein context (NP_003915.2, residues 298-314): LQRPNGAKAA[Leu308Val]VKSSMF